The following is an entry in ClinVar:

NM_032578.4(MYPN):c.839T>G (p.Val280Gly)

Gene: MYPN (myopalladin; plus strand). Cytogenetic location: 10q21.3.
Variant type: single nucleotide variant.
Coding change: c.839T>G on transcript NM_032578.4 (MANE Select); coding-DNA position 839, T replaced by G.
Protein change: p.Val280Gly; replaces valine 280 with glycine.
Molecular consequence: missense variant. On other transcripts: 5 prime UTR variant (1), non-coding transcript variant (1).
Genome position (GRCh38, 1-based): chr10:68,122,277, T>G. VCF-style: chr10-68122277-T-G. GRCh37 (hg19) VCF-style: chr10-69882034-T-G.
Other names: c.839T>G, p.Val280Gly (NM_001256267.2); c.-284T>G (NM_001256268.2); short protein forms V280G.
Identifiers: ClinVar variation 1476552 (VCV001476552.8), dbSNP rs2042257341, ClinGen allele CA377105216.
Genomic context (GRCh38, chr10:68,122,277, plus strand): 5'-ACTATGAAGAACCTCTGGGGCAACCTCCCCGGTTCACTCAAAAGTTACGGAGCAGAGAAG[T>G]TCCAGAAGGAACTCGAGTACAGTTGGATTGCATAGTGGTAGGAATTCCACCACCTCAAGT-3'
Protein context (NP_115967.2, residues 270-290): RFTQKLRSRE[Val280Gly]PEGTRVQLDC

ClinVar aggregate classification (germline): Uncertain significance (1 of 4 stars; one submission).

Conditions:
Dilated cardiomyopathy 1KK (CMD1KK). Identifiers: Orphanet 154, Orphanet 75249, MedGen C3714995, MONDO:0014100, OMIM 615248.

Allele frequency attached by ClinVar (database versions not stated): TOPMed below 0.00001.

Submission:

Labcorp Genetics (formerly Invitae), Labcorp
Classification: Uncertain significance for Dilated cardiomyopathy 1KK. Last evaluated: 2020-11-23. Review status: criteria provided, single submitter. Criteria: Invitae Variant Classification Sherloc (09022015). Collection method: clinical testing. Allele origin: germline.
Comment: This variant has not been reported in the literature in individuals with MYPN-related conditions. In summary, the available evidence is currently insufficient to determine the role of this variant in disease. Therefore, it has been classified as a Variant of Uncertain Significance. Algorithms developed to predict the effect of missense changes on protein structure and function are either unavailable or do not agree on the potential impact of this missense change (SIFT: "Deleterious"; PolyPhen-2: "Possibly Damaging"; Align-GVGD: "Class C0"). This variant is not present in population databases (ExAC no frequency). This sequence change replaces valine with glycine at codon 280 of the MYPN protein (p.Val280Gly). The valine residue is highly conserved and there is a moderate physicochemical difference between valine and glycine.